The following is an entry in ClinVar:

ClinVar aggregate classification (germline): Uncertain significance (1 of 4 stars; one submission).

Conditions:
Autosomal recessive ataxia, Beauce type. Also called: SYNE1-Related Autosomal Recessive Cerebellar Ataxia; SYNE1 Deficiency; Spinocerebellar ataxia, autosomal recessive 8; ATAXIA, RECESSIVE, OF BEAUCE. Identifiers: Orphanet 88644, MedGen C1853116, MONDO:0012549, OMIM 610743.
Emery-Dreifuss muscular dystrophy 4, autosomal dominant (EDMD4). Also called: EMERY-DREIFUSS MUSCULAR DYSTROPHY 4 WITH VARIABLE FEATURES. Identifiers: Orphanet 261, MedGen C2751807, MONDO:0013071, OMIM 612998.

Allele frequency attached by ClinVar (database versions not stated): gnomAD exomes below 0.00001; ExAC 0.00001.
gnomAD v4.1: 2 of 1,614,184 alleles (0.00012%); highest among the groups gnomAD compares: Admixed American, 0.0033%; no homozygotes.

Submission:

Labcorp Genetics (formerly Invitae), Labcorp
Classification: Uncertain significance for Emery-Dreifuss muscular dystrophy 4, autosomal dominant; Autosomal recessive ataxia, Beauce type. Last evaluated: 2021-09-14. Review status: criteria provided, single submitter. Criteria: Invitae Variant Classification Sherloc (09022015). Collection method: clinical testing. Allele origin: germline.
Comment: This sequence change replaces threonine with proline at codon 8411 of the SYNE1 protein (p.Thr8411Pro). The threonine residue is highly conserved and there is a small physicochemical difference between threonine and proline. This variant is present in population databases (rs754937504, ExAC 0.009%). This variant has not been reported in the literature in individuals affected with SYNE1-related conditions. Algorithms developed to predict the effect of missense changes on protein structure and function are either unavailable or do not agree on the potential impact of this missense change (SIFT: "Deleterious"; PolyPhen-2: "Possibly Damaging"; Align-GVGD: "Class C0"). In summary, the available evidence is currently insufficient to determine the role of this variant in disease. Therefore, it has been classified as a Variant of Uncertain Significance.

NM_182961.4(SYNE1):c.25375A>C (p.Thr8459Pro)

Gene: SYNE1 (spectrin repeat containing nuclear envelope protein 1; minus strand). Cytogenetic location: 6q25.2.
Variant type: single nucleotide variant.
Coding change: c.25375A>C on transcript NM_182961.4 (MANE Select); coding-DNA position 25375, A replaced by C.
Protein change: p.Thr8459Pro; replaces threonine 8459 with proline.
Molecular consequence: missense variant.
Genome position (GRCh38, 1-based): chr6:152,140,033, T>G on the plus strand (A>C on the coding strand, the complement: SYNE1 is on the minus strand). VCF-style: chr6-152140033-T-G. GRCh37 (hg19) VCF-style: chr6-152461168-T-G.
Other names: c.1981A>C, p.Thr661Pro (NM_001347701.2); c.1909A>C, p.Thr637Pro (NM_001347702.2); c.25231A>C, p.Thr8411Pro (NM_033071.5); short protein forms T637P, T8411P, T661P, T8459P.
Identifiers: ClinVar variation 1362752 (VCV001362752.3), dbSNP rs754937504, ClinGen allele CA4052858.